The following is an entry in ClinVar:

NM_001083962.2(TCF4):c.1308G>A (p.Gly436=)

Gene: TCF4 (transcription factor 4; minus strand). Cytogenetic location: 18q21.2.
Variant type: single nucleotide variant.
Coding change: c.1308G>A on transcript NM_001083962.2 (MANE Select); coding-DNA position 1308, G replaced by A.
Protein change: p.Gly436=; no amino-acid change (glycine 436 retained).
Molecular consequence: synonymous variant.
Genome position (GRCh38, 1-based): chr18:55,254,539, C>T on the plus strand (G>A on the coding strand, the complement: TCF4 is on the minus strand). VCF-style: chr18-55254539-C-T. GRCh37 (hg19) VCF-style: chr18-52921770-C-T.
Other names: c.1614G>A, p.Gly538= (NM_001243226.3); c.1236G>A, p.Gly412= (NM_001243227.2, NM_001369575.1, NM_001306207.1 and 5 more transcripts); c.1326G>A, p.Gly442= (NM_001243228.2); c.1299G>A, p.Gly433= (NM_001243230.2); c.1182G>A, p.Gly394= (NM_001243231.2, NM_001348211.2); c.1305G>A, p.Gly435= (NM_001369573.1, NM_001369574.1, NM_001330604.3 and 2 more transcripts); c.1095G>A, p.Gly365= (NM_001243232.1, NM_001306208.1); c.918G>A, p.Gly306= (NM_001243233.2, NM_001330605.3, NM_001348212.2 and 1 more transcripts); and 6 more.
Identifiers: ClinVar variation 390016 (VCV000390016.3), dbSNP rs1057523618, ClinGen allele CA16608775.

ClinVar aggregate classification (germline): Likely benign. Review status: criteria provided, multiple submitters, no conflicts (2 of 4 stars). 2 submissions from 2 submitters: Likely benign (2). Last evaluated 2024-07-08.

Conditions:
Pitt-Hopkins syndrome (PTHS). Also called: ENCEPHALOPATHY, SEVERE EPILEPTIC, WITH AUTONOMIC DYSFUNCTION; MENTAL RETARDATION, SYNDROMAL, WITH INTERMITTENT HYPERVENTILATION. Identifiers: Orphanet 2896, MedGen C1970431, MONDO:0012589, OMIM 610954.

Submissions (2):

Labcorp Genetics (formerly Invitae), Labcorp
Classification: Likely benign for Pitt-Hopkins syndrome. Last evaluated: 2024-07-08. Review status: criteria provided, single submitter. Criteria: Invitae Variant Classification Sherloc (09022015). Collection method: clinical testing. Allele origin: germline.

GeneDx
Classification: Likely benign. Last evaluated: 2016-10-14. Review status: criteria provided, single submitter. Criteria: GeneDx Variant Classification (06012015). Collection method: clinical testing. Allele origin: germline. Affected: yes.
Comment: This variant is considered likely benign or benign based on one or more of the following criteria: it is a conservative change, it occurs at a poorly conserved position in the protein, it is predicted to be benign by multiple in silico algorithms, and/or has population frequency not consistent with disease.